The following is an entry in ClinVar:

NM_020806.5(GPHN):c.692C>G (p.Ser231Cys)

Gene: GPHN (gephyrin; plus strand). Cytogenetic location: 14q23.3.
Variant type: single nucleotide variant.
Coding change: c.692C>G on transcript NM_020806.5 (MANE Select); coding-DNA position 692, C replaced by G.
Protein change: p.Ser231Cys; replaces serine 231 with cysteine.
Molecular consequence: missense variant.
Genome position (GRCh38, 1-based): chr14:66,922,901, C>G. VCF-style: chr14-66922901-C-G. GRCh37 (hg19) VCF-style: chr14-67389618-C-G.
Other names: c.692C>G, p.Ser231Cys (NM_001024218.2, NM_001377515.1, NM_001377516.1 and 2 more transcripts); c.731C>G, p.Ser244Cys (NM_001377514.1, NM_001377519.1); short protein forms S231C, S244C.
Identifiers: ClinVar variation 999331 (VCV000999331.8), dbSNP rs2066293371, ClinGen allele CA390256511.

ClinVar aggregate classification (germline): Uncertain significance (1 of 4 stars; one submission).

Conditions:
Sulfite oxidase deficiency due to molybdenum cofactor deficiency type C. Also called: Molybdenum cofactor deficiency, complementation group C; Molybdenum cofactor deficiency C. Identifiers: Orphanet 308400, Orphanet 833, MedGen C1854990, MONDO:0014212, OMIM 615501.

Submission:

Labcorp Genetics (formerly Invitae), Labcorp
Classification: Uncertain significance for Sulfite oxidase deficiency due to molybdenum cofactor deficiency type C. Last evaluated: 2022-10-13. Review status: criteria provided, single submitter. Criteria: Invitae Variant Classification Sherloc (09022015). Collection method: clinical testing. Allele origin: germline.
Comment: In summary, the available evidence is currently insufficient to determine the role of this variant in disease. Therefore, it has been classified as a Variant of Uncertain Significance. Advanced modeling of protein sequence and biophysical properties (such as structural, functional, and spatial information, amino acid conservation, physicochemical variation, residue mobility, and thermodynamic stability) performed at Invitae indicates that this missense variant is not expected to disrupt GPHN protein function. ClinVar contains an entry for this variant (Variation ID: 999331). This variant has not been reported in the literature in individuals affected with GPHN-related conditions. This variant is not present in population databases (gnomAD no frequency). This sequence change replaces serine, which is neutral and polar, with cysteine, which is neutral and slightly polar, at codon 231 of the GPHN protein (p.Ser231Cys).